The following is an entry in ClinVar:

ClinVar aggregate classification (germline): Pathogenic (1 of 4 stars; one submission).

Submission:

Labcorp Genetics (formerly Invitae), Labcorp
Classification: Pathogenic. Last evaluated: 2023-06-02. Review status: criteria provided, single submitter. Criteria: Invitae Variant Classification Sherloc (09022015). Collection method: clinical testing. Allele origin: unknown.
Comment: For these reasons, this variant has been classified as Pathogenic. This variant has not been reported in the literature in individuals affected with ERCC6-related conditions. This variant is a gross deletion of the genomic region encompassing exon(s) 6-8 of the ERCC6 gene. This deletion is out-of-frame, and is expected to create a premature termination codon and result in an absent or disrupted protein product. Loss-of-function variants in ERCC6 are known to be pathogenic (PMID: 18628313, 29572252).

Literature cited by the submitters: PubMed 18628313; PubMed 29572252.

NC_000010.10:g.(?_50701143)_(50714078_?)del

Gene: ERCC6 (ERCC excision repair 6, chromatin remodeling factor; minus strand). Cytogenetic location: 10q11.23.
Variant type: Deletion.
Identifiers: ClinVar variation 3244930 (VCV003244930.1).